The following is an entry in ClinVar:

ClinVar aggregate classification (germline): Uncertain significance (1 of 4 stars; one submission).

Allele frequency attached by ClinVar (database versions not stated): TOPMed below 0.00001; gnomAD 0.00001.
gnomAD v4.1: 1 of 1,209,684 alleles (0.000083%); highest among the groups gnomAD compares: Non-Finnish European, 0.00011%; no homozygotes.

Submission:

Labcorp Genetics (formerly Invitae), Labcorp
Classification: Uncertain significance. Last evaluated: 2021-10-07. Review status: criteria provided, single submitter. Criteria: Invitae Variant Classification Sherloc (09022015). Collection method: clinical testing. Allele origin: germline.
Comment: This sequence change replaces leucine with valine at codon 771 of the COL4A5 protein (p.Leu771Val). The leucine residue is moderately conserved and there is a small physicochemical difference between leucine and valine. This variant is not present in population databases (ExAC no frequency). This variant has not been reported in the literature in individuals affected with COL4A5-related conditions. Advanced modeling of protein sequence and biophysical properties (such as structural, functional, and spatial information, amino acid conservation, physicochemical variation, residue mobility, and thermodynamic stability) performed at Invitae indicates that this missense variant is not expected to disrupt COL4A5 protein function. In summary, the available evidence is currently insufficient to determine the role of this variant in disease. Therefore, it has been classified as a Variant of Uncertain Significance.

NM_033380.3(COL4A5):c.2311C>G (p.Leu771Val)

Gene: COL4A5 (collagen type IV alpha 5 chain; plus strand). Cytogenetic location: Xq22.3.
Variant type: single nucleotide variant.
Coding change: c.2311C>G on transcript NM_033380.3 (MANE Select); coding-DNA position 2311, C replaced by G.
Protein change: p.Leu771Val; replaces leucine 771 with valine.
Molecular consequence: missense variant.
Genome position (GRCh38, 1-based): chrX:108,606,808, C>G. VCF-style: chrX-108606808-C-G. GRCh37 (hg19) VCF-style: chrX-107850038-C-G.
Other names: c.2311C>G, p.Leu771Val (NM_000495.5); short protein forms L771V.
Identifiers: ClinVar variation 2044324 (VCV002044324.1), dbSNP rs749759372, ClinGen allele CA413848953.